The following is an entry in ClinVar:

NM_024577.4(SH3TC2):c.*21728T>C

Gene: SH3TC2 (SH3 domain and tetratricopeptide repeats 2; minus strand). Cytogenetic location: 5q32.
Variant type: single nucleotide variant.
Coding change: c.*21728T>C on transcript NM_024577.4 (MANE Select); 21728 bases downstream of the stop codon, T replaced by C.
Molecular consequence: 3 prime UTR variant.
Genome position (GRCh38, 1-based): chr5:148,982,983, A>G on the plus strand (T>C on the coding strand, the complement: SH3TC2 is on the minus strand). VCF-style: chr5-148982983-A-G. GRCh37 (hg19) VCF-style: chr5-148362546-A-G.
Identifiers: ClinVar variation 351574 (VCV000351574.5), dbSNP rs142485824, ClinGen allele CA10623101.

ClinVar aggregate classification (germline): Likely benign. Review status: criteria provided, single submitter (1 of 4 stars). 2 submissions from 1 submitter: Likely benign (2). Last evaluated 2018-01-13.

Conditions:
Charcot-Marie-Tooth disease type 4C (CMT4C). Also called: CHARCOT-MARIE-TOOTH DISEASE, DEMYELINATING, AUTOSOMAL RECESSIVE, TYPE 4C; CMT 4C; Charcot-Marie-Tooth Neuropathy Type 4C (CMT4C); CHARCOT-MARIE-TOOTH DISEASE, DEMYELINATING, TYPE 4C; SH3TC2-Related Hereditary Motor and Sensory Neuropathy. Identifiers: Orphanet 99949, MedGen C1866636, MONDO:0011113, OMIM 601596.
Susceptibility to mononeuropathy of the median nerve, mild. Also called: CARPAL TUNNEL SYNDROME, SUSCEPTIBILITY TO. Identifiers: MedGen C3150596, MONDO:0013237, OMIM 613353.

Allele frequency attached by ClinVar (database versions not stated): gnomAD 0.00030 and 0.00048; TOPMed 0.00049; 1000 Genomes Project 30x 0.00219; 1000 Genomes Project 0.00220.
gnomAD v4.1: 72 of 152,324 alleles (0.047%); highest among the groups gnomAD compares: East Asian, 1.3%; no homozygotes.

Submissions (2):

Illumina Laboratory Services, Illumina
Classification: Likely benign for Charcot-Marie-Tooth disease type 4C. Last evaluated: 2018-01-13. Review status: criteria provided, single submitter. Criteria: ICSL Variant Classification Criteria 13 December 2019. Collection method: clinical testing. Allele origin: germline.
Comment: This variant was observed in the ICSL laboratory as part of a predisposition screen in an ostensibly healthy population. It had not been previously curated by ICSL or reported in the Human Gene Mutation Database (HGMD: prior to June 1st, 2018), and was therefore a candidate for classification through an automated scoring system. Utilizing variant allele frequency, disease prevalence and penetrance estimates, and inheritance mode, an automated score was calculated to assess if this variant is too frequent to cause the disease. Based on the score and internal cut-off values, a variant classified as likely benign is not then subjected to further curation. The score for this variant resulted in a classification of likely benign for this disease.

Illumina Laboratory Services, Illumina
Classification: Likely benign for Susceptibility to mononeuropathy of the median nerve, mild. Last evaluated: 2018-01-13. Review status: criteria provided, single submitter. Criteria: ICSL Variant Classification Criteria 13 December 2019. Collection method: clinical testing. Allele origin: germline.
Comment: the same text as in the submission from Illumina Laboratory Services, Illumina above.